The following is an entry in ClinVar:

NM_000271.5(NPC1):c.1947+11_1947+12insGGGT

Gene: NPC1 (NPC intracellular cholesterol transporter 1; minus strand). Cytogenetic location: 18q11.2.
Variant type: Insertion.
Coding change: c.1947+11_1947+12insGGGT on transcript NM_000271.5 (MANE Select); bases 11 to 12 of the intron after coding-DNA position 1947, GGGT inserted.
Molecular consequence: intron variant.
Genome position: GRCh38 VCF-style: chr18-23544948-C-CCCCA. GRCh37 (hg19) VCF-style: chr18-21124912-C-CCCCA.
Other names: p.?; c.1947+11_1947+12insTGGG (NM_000271.5).
Identifiers: ClinVar variation 1638247 (VCV001638247.34), dbSNP rs1555634668, ClinGen allele CA8913310.

ClinVar aggregate classification (germline): Benign/Likely benign. Review status: criteria provided, multiple submitters, no conflicts (2 of 4 stars). 4 submissions from 4 submitters: Benign (2); Likely benign (1). 1 of the submissions does not count toward it. Last evaluated 2026-06-01.

Conditions:
NPC1-related disorder. Also called: NPC1-related condition.
Niemann-Pick disease, type C1. Also called: NIEMANN-PICK DISEASE, VARIANT TYPE C1; NEUROVISCERAL STORAGE DISEASE WITH VERTICAL SUPRANUCLEAR OPHTHALMOPLEGIA; NIEMANN-PICK DISEASE WITH CHOLESTEROL ESTERIFICATION BLOCK; NIEMANN-PICK DISEASE WITHOUT SPHINGOMYELINASE DEFICIENCY; NIEMANN-PICK DISEASE, CHRONIC NEURONOPATHIC FORM. Identifiers: Orphanet 646, MedGen C3179455, MONDO:0009757, OMIM 257220.

Submissions (4):

CeGaT Center for Human Genetics Tuebingen
Classification: Likely benign. Last evaluated: 2026-06-01. Review status: criteria provided, single submitter. Criteria: CeGaT Center For Human Genetics Tuebingen Variant Classification Criteria Version 2. Collection method: clinical testing. Allele origin: germline. Affected: yes. Observed: 3 variant alleles.
Comment: NPC1: BS2

Labcorp Genetics (formerly Invitae), Labcorp
Classification: Benign for Niemann-Pick disease, type C1. Last evaluated: 2026-01-28. Review status: criteria provided, single submitter. Criteria: Invitae Variant Classification Sherloc (09022015). Collection method: clinical testing. Allele origin: germline.

Mayo Clinic Laboratories, Mayo Clinic
Classification: Benign. Last evaluated: 2025-06-27. Review status: criteria provided, single submitter. Criteria: ACMG Guidelines, 2015. Collection method: clinical testing. Allele origin: germline. Observed: 1 variant allele.
Comment: BS1, BS2

PreventionGenetics, part of Exact Sciences
Classification: Likely benign for NPC1-related condition. Last evaluated: 2021-03-16. Review status: no assertion criteria provided. Collection method: clinical testing. Allele origin: germline. Not counted in ClinVar's aggregate classification.
Comment: This variant is classified as likely benign based on ACMG/AMP sequence variant interpretation guidelines (Richards et al. 2015 PMID: 25741868, with internal and published modifications).